The following is an entry in ClinVar:

NM_001040108.2(MLH3):c.131G>C (p.Arg44Thr)

Gene: MLH3 (mutL homolog 3; minus strand). Cytogenetic location: 14q24.3.
Variant type: single nucleotide variant.
Coding change: c.131G>C on transcript NM_001040108.2 (MANE Select); coding-DNA position 131, G replaced by C.
Protein change: p.Arg44Thr; replaces arginine 44 with threonine.
Molecular consequence: missense variant.
Genome position (GRCh38, 1-based): chr14:75,049,525, C>G on the plus strand (G>C on the coding strand, the complement: MLH3 is on the minus strand). VCF-style: chr14-75049525-C-G. GRCh37 (hg19) VCF-style: chr14-75516228-C-G.
Other names: c.131G>C, p.Arg44Thr (NM_014381.3); short protein forms R44T.
Identifiers: ClinVar variation 1769873 (VCV001769873.2), dbSNP rs2139612937, ClinGen allele CA390451519.

ClinVar aggregate classification (germline): Uncertain significance (1 of 4 stars; one submission).

Submission:

Ambry Genetics
Classification: Uncertain significance. Last evaluated: 2021-12-04. Review status: criteria provided, single submitter. Criteria: Ambry Variant Classification Scheme 2023. Collection method: clinical testing. Allele origin: germline.
Comment: The p.R44T variant (also known as c.131G>C), located in coding exon 1 of the MLH3 gene, results from a G to C substitution at nucleotide position 131. The arginine at codon 44 is replaced by threonine, an amino acid with similar properties. This amino acid position is conserved. In addition, the in silico prediction for this alteration is inconclusive. Since supporting evidence is limited at this time, the clinical significance of this alteration remains unclear.